The following is an entry in ClinVar:

NM_024334.3(TMEM43):c.1074G>A (p.Ser358=)

Gene: TMEM43 (transmembrane protein 43; plus strand). Cytogenetic location: 3p25.1.
Variant type: single nucleotide variant.
Coding change: c.1074G>A on transcript NM_024334.3 (MANE Select); coding-DNA position 1074, G replaced by A.
Protein change: p.Ser358=; no amino-acid change (serine 358 retained).
Molecular consequence: synonymous variant.
Genome position (GRCh38, 1-based): chr3:14,141,666, G>A. VCF-style: chr3-14141666-G-A. GRCh37 (hg19) VCF-style: chr3-14183166-G-A.
Identifiers: ClinVar variation 701336 (VCV000701336.19), dbSNP rs377104916, ClinGen allele CA051118.

ClinVar aggregate classification (germline): Likely benign. Review status: criteria provided, multiple submitters, no conflicts (2 of 4 stars). 7 submissions from 7 submitters: Likely benign (7). Last evaluated 2026-02-23.

Conditions:
Arrhythmogenic right ventricular dysplasia 5. Also called: Arrhythmogenic Right Ventricular Dysplasia/Cardiomyopathy 5; ARRHYTHMOGENIC RIGHT VENTRICULAR DYSPLASIA, FAMILIAL, 5. Identifiers: MedGen C1858379, MONDO:0011459, OMIM 604400.
Cardiovascular phenotype. Identifiers: MedGen CN230736.
Cardiomyopathy (CMYO). Also called: Cardiomyopathies. Identifiers: Orphanet 167848, MedGen C0878544, MONDO:0004994, HP:0001638. Inheritance: Various modes of inheritance.

Allele frequency attached by ClinVar (database versions not stated): gnomAD 0.00001; gnomAD exomes 0.00001; ExAC 0.00002; TOPMed 0.00002; ESP Exome Variant Server 0.00015.
gnomAD v4.1: 18 of 1,614,016 alleles (0.0011%); highest among the groups gnomAD compares: African/African-American, 0.0067%; no homozygotes.

Submissions (7):

Women's Health and Genetics/Laboratory Corporation of America, LabCorp
Classification: Likely benign. Last evaluated: 2026-02-23. Review status: criteria provided, single submitter. Criteria: LabCorp Variant Classification Summary - May 2015. Collection method: clinical testing. Allele origin: germline.

Labcorp Genetics (formerly Invitae), Labcorp
Classification: Likely benign for Arrhythmogenic right ventricular dysplasia 5. Last evaluated: 2025-11-13. Review status: criteria provided, single submitter. Criteria: Invitae Variant Classification Sherloc (09022015). Collection method: clinical testing. Allele origin: germline.

ARUP Laboratories, Molecular Genetics and Genomics, ARUP Laboratories
Classification: Likely benign. Last evaluated: 2025-01-17. Review status: criteria provided, single submitter. Criteria: ARUP Molecular Germline Variant Investigation Process 2024. Collection method: clinical testing. Allele origin: germline.

All of Us Research Program, National Institutes of Health
Classification: Likely benign for Arrhythmogenic right ventricular dysplasia 5. Last evaluated: 2024-08-06. Review status: criteria provided, single submitter. Criteria: ACMG Guidelines, 2015. Collection method: clinical testing. Allele origin: germline. Inheritance: Autosomal dominant inheritance. Observed: 6 variant alleles, 6 heterozygotes.
Comment: This study involves interpretation of variants in research participants for the purpose of population health screening. Participant phenotype was not available at the time of variant classification. Additional details can be found in publication PMID: 35346344, PMCID: PMC8962531

Blueprint Genetics
Classification: Likely benign. Last evaluated: 2023-06-06. Review status: criteria provided, single submitter. Criteria: ACMG Guidelines, 2015. Collection method: clinical testing. Allele origin: germline.

Ambry Genetics
Classification: Likely benign for Cardiovascular phenotype. Last evaluated: 2019-11-21. Review status: criteria provided, single submitter. Criteria: Ambry Variant Classification Scheme 2023. Collection method: clinical testing. Allele origin: germline.

Color Diagnostics, LLC DBA Color Health
Classification: Likely benign for Cardiomyopathy. Last evaluated: 2018-11-30. Review status: criteria provided, single submitter. Criteria: ACMG Guidelines, 2015. Collection method: clinical testing. Allele origin: germline.